The following is an entry in ClinVar:

NM_000520.6(HEXA):c.1338T>C (p.Pro446=)

Gene: HEXA (hexosaminidase subunit alpha; minus strand). Cytogenetic location: 15q23.
Variant type: single nucleotide variant.
Coding change: c.1338T>C on transcript NM_000520.6 (MANE Select); coding-DNA position 1338, T replaced by C.
Protein change: p.Pro446=; no amino-acid change (proline 446 retained).
Molecular consequence: synonymous variant. On other transcripts: non-coding transcript variant (1).
Genome position (GRCh38, 1-based): chr15:72,346,318, A>G on the plus strand (T>C on the coding strand, the complement: HEXA is on the minus strand). VCF-style: chr15-72346318-A-G. GRCh37 (hg19) VCF-style: chr15-72638659-A-G.
Other names: p.Pro446=; c.1338T>C (NM_000520.5); c.1371T>C, p.Pro457= (NM_001318825.2).
Identifiers: ClinVar variation 695932 (VCV000695932.49), dbSNP rs34085965, ClinGen allele CA7644714.

ClinVar aggregate classification (germline): Likely benign. Review status: criteria provided, multiple submitters, no conflicts (2 of 4 stars). 9 submissions from 9 submitters: Likely benign (5). 4 of the submissions do not count toward it. Last evaluated 2026-01-28.

Conditions:
HEXA-related disorder. Also called: HEXA-related condition.
Inborn genetic diseases. Identifiers: MedGen C0950123, MeSH D030342.
Tay-Sachs disease (TSD). Also called: HEXA Disorders; GM2 gangliosidosis, type 1; Hexosaminidase alpha-subunit deficiency (variant B); Sphingolipidosis, Tay-Sachs; Hexosaminidase A Deficiency; HEXA DEFICIENCY. Identifiers: Orphanet 845, MedGen C0039373, MONDO:0010100, OMIM 272800.

Allele frequency attached by ClinVar (database versions not stated): ExAC 0.00021; gnomAD 0.00029; 1000 Genomes Project 30x 0.00031; ESP Exome Variant Server 0.00031; TOPMed 0.00036; 1000 Genomes Project 0.00040.

Submissions (9):

Labcorp Genetics (formerly Invitae), Labcorp
Classification: Likely benign for Tay-Sachs disease. Last evaluated: 2026-01-28. Review status: criteria provided, single submitter. Criteria: Invitae Variant Classification Sherloc (09022015). Collection method: clinical testing. Allele origin: germline.

Mayo Clinic Laboratories, Mayo Clinic
Classification: Likely benign. Last evaluated: 2025-09-05. Review status: criteria provided, single submitter. Criteria: ACMG Guidelines, 2015. Collection method: clinical testing. Allele origin: germline. Observed: 4 variant alleles.
Comment: BP4, BP7

CeGaT Center for Human Genetics Tuebingen
Classification: Likely benign. Last evaluated: 2025-07-01. Review status: criteria provided, single submitter. Criteria: CeGaT Center For Human Genetics Tuebingen Variant Classification Criteria Version 2. Collection method: clinical testing. Allele origin: germline. Affected: yes. Observed: 3 variant alleles.
Comment: HEXA: BP4, BP7

Blueprint Genetics
Classification: Likely benign. Last evaluated: 2024-10-09. Review status: criteria provided, single submitter. Criteria: ACMG Guidelines, 2015. Collection method: clinical testing. Allele origin: germline.

Ambry Genetics
Classification: Likely benign for Inborn genetic diseases. Last evaluated: 2022-12-25. Review status: criteria provided, single submitter. Criteria: Ambry Variant Classification Scheme 2023. Collection method: clinical testing. Allele origin: germline.

Natera, Inc.
Classification: Likely benign for Tay-Sachs disease. Last evaluated: 2020-09-16. Review status: no assertion criteria provided. Collection method: clinical testing. Allele origin: germline. Not counted in ClinVar's aggregate classification.

PreventionGenetics, part of Exact Sciences
Classification: Likely benign for HEXA-related condition. Last evaluated: 2019-10-17. Review status: no assertion criteria provided. Collection method: clinical testing. Allele origin: germline. Not counted in ClinVar's aggregate classification.
Comment: This variant is classified as likely benign based on ACMG/AMP sequence variant interpretation guidelines (Richards et al. 2015 PMID: 25741868, with internal and published modifications).

Clinical Genetics DNA and cytogenetics Diagnostics Lab, Erasmus MC, Erasmus Medical Center
Classification: Likely benign. Review status: no assertion criteria provided. Collection method: clinical testing. Allele origin: germline. Affected: yes. Study: VKGL Data-share Consensus. Not counted in ClinVar's aggregate classification.

Diagnostic Laboratory, Department of Genetics, University Medical Center Groningen
Classification: Likely benign. Review status: no assertion criteria provided. Collection method: clinical testing. Allele origin: germline. Affected: yes. Study: VKGL Data-share Consensus. Not counted in ClinVar's aggregate classification.

Literature cited by the submitters: PubMed 22723944 (cited by Mayo Clinic Laboratories, Mayo Clinic); PubMed 24498621 (cited by Mayo Clinic Laboratories, Mayo Clinic); PubMed 7717398 (cited by Mayo Clinic Laboratories, Mayo Clinic); PubMed 9090523 (cited by Mayo Clinic Laboratories, Mayo Clinic).